The following is an entry in ClinVar:

ClinVar aggregate classification (germline): Uncertain significance (1 of 4 stars; one submission).

Allele frequency attached by ClinVar (database versions not stated): gnomAD exomes below 0.00001; TOPMed below 0.00001; ExAC 0.00001; gnomAD 0.00001.
gnomAD v4.1: 4 of 1,602,032 alleles (0.00025%); highest among the groups gnomAD compares: Non-Finnish European, 0.00025%; no homozygotes.

Submission:

Labcorp Genetics (formerly Invitae), Labcorp
Classification: Uncertain significance. Last evaluated: 2022-08-10. Review status: criteria provided, single submitter. Criteria: Invitae Variant Classification Sherloc (09022015). Collection method: clinical testing. Allele origin: germline.
Comment: This sequence change affects codon 234 of the CDCA7 mRNA. It is a 'silent' change, meaning that it does not change the encoded amino acid sequence of the CDCA7 protein. This variant is present in population databases (rs761247476, gnomAD 0.0009%). This variant has not been reported in the literature in individuals affected with CDCA7-related conditions. Algorithms developed to predict the effect of sequence changes on RNA splicing suggest that this variant may create or strengthen a splice site. In summary, the available evidence is currently insufficient to determine the role of this variant in disease. Therefore, it has been classified as a Variant of Uncertain Significance.

NM_031942.5(CDCA7):c.702A>G (p.Gln234=)

Gene: CDCA7 (cell division cycle associated 7; plus strand). Cytogenetic location: 2q31.1.
Variant type: single nucleotide variant.
Coding change: c.702A>G on transcript NM_031942.5 (MANE Select); coding-DNA position 702, A replaced by G.
Protein change: p.Gln234=; no amino-acid change (glutamine 234 retained).
Molecular consequence: synonymous variant.
Genome position (GRCh38, 1-based): chr2:173,364,797, A>G. VCF-style: chr2-173364797-A-G. GRCh37 (hg19) VCF-style: chr2-174229525-A-G.
Other names: c.465A>G, p.Gln155= (NM_145810.3).
Identifiers: ClinVar variation 1960748 (VCV001960748.2), dbSNP rs761247476, ClinGen allele CA1971315.